The following is an entry in ClinVar:

NM_000383.4(AIRE):c.1619C>T (p.Ala540Val)

Gene: AIRE (autoimmune regulator; plus strand). Cytogenetic location: 21q22.3.
Variant type: single nucleotide variant.
Coding change: c.1619C>T on transcript NM_000383.4 (MANE Select); coding-DNA position 1619, C replaced by T.
Protein change: p.Ala540Val; replaces alanine 540 with valine.
Molecular consequence: missense variant.
Genome position (GRCh38, 1-based): chr21:44,297,708, C>T. VCF-style: chr21-44297708-C-T. GRCh37 (hg19) VCF-style: chr21-45717591-C-T.
Other names: c.1619C>T (NM_000383.2); short protein forms A540V.
Identifiers: ClinVar variation 966470 (VCV000966470.12), dbSNP rs376731017, ClinGen allele CA10052229.

ClinVar aggregate classification (germline): Uncertain significance. Review status: criteria provided, multiple submitters, no conflicts (2 of 4 stars). 4 submissions from 4 submitters: Uncertain significance (3). 1 of the submissions does not count toward it. Last evaluated 2026-01-24.

Conditions:
Inborn genetic diseases. Identifiers: MedGen C0950123, MeSH D030342.
Polyglandular autoimmune syndrome, type 1 (APS1). Also called: HYPOADRENOCORTICISM WITH HYPOPARATHYROIDISM AND SUPERFICIAL MONILIASIS; Autoimmune polyendocrine syndrome type 1; PGA I; Autoimmune polyendocrinopathy syndrome, type I; AUTOIMMUNE POLYENDOCRINE SYNDROME, TYPE I, WITH OR WITHOUT REVERSIBLE METAPHYSEAL DYSPLASIA; APS I. Identifiers: Orphanet 3453, MedGen C0085859, MONDO:0009411, OMIM 240300.

Allele frequency attached by ClinVar (database versions not stated): gnomAD 0.00001 and 0.00003; TOPMed 0.00002; ESP Exome Variant Server 0.00008.
gnomAD v4.1: 27 of 1,612,120 alleles (0.0017%); highest among the groups gnomAD compares: East Asian, 0.011%; no homozygotes.

Submissions (4):

Labcorp Genetics (formerly Invitae), Labcorp
Classification: Uncertain significance for Polyglandular autoimmune syndrome, type 1. Last evaluated: 2026-01-24. Review status: criteria provided, single submitter. Criteria: Invitae Variant Classification Sherloc (09022015). Collection method: clinical testing. Allele origin: germline.
Comment: This sequence change replaces alanine, which is neutral and non-polar, with valine, which is neutral and non-polar, at codon 540 of the AIRE protein (p.Ala540Val). This variant is present in population databases (rs376731017, gnomAD 0.009%). This variant has not been reported in the literature in individuals affected with AIRE-related conditions. ClinVar contains an entry for this variant (Variation ID: 966470). Invitae Evidence Modeling of protein sequence and biophysical properties (such as structural, functional, and spatial information, amino acid conservation, physicochemical variation, residue mobility, and thermodynamic stability) indicates that this missense variant is not expected to disrupt AIRE protein function with a negative predictive value of 95%. In summary, the available evidence is currently insufficient to determine the role of this variant in disease. Therefore, it has been classified as a Variant of Uncertain Significance.

Ambry Genetics
Classification: Uncertain significance for Inborn genetic diseases. Last evaluated: 2025-03-28. Review status: criteria provided, single submitter. Criteria: Ambry Variant Classification Scheme 2023. Collection method: clinical testing. Allele origin: germline.

Blueprint Genetics
Classification: Uncertain significance. Last evaluated: 2024-11-13. Review status: criteria provided, single submitter. Criteria: ACMG Guidelines, 2015. Collection method: clinical testing. Allele origin: germline.

Natera, Inc.
Classification: Uncertain significance for Polyglandular autoimmune syndrome type 1. Last evaluated: 2020-03-15. Review status: no assertion criteria provided. Collection method: clinical testing. Allele origin: germline. Not counted in ClinVar's aggregate classification.